The following is an entry in ClinVar:

NM_022173.4(TIA1):c.775C>A (p.His259Asn)

Gene: TIA1 (TIA1 cytotoxic granule associated RNA binding protein; minus strand). Cytogenetic location: 2p13.3.
Variant type: single nucleotide variant.
Coding change: c.775C>A on transcript NM_022173.4 (MANE Select); coding-DNA position 775, C replaced by A.
Protein change: p.His259Asn; replaces histidine 259 with asparagine.
Molecular consequence: missense variant. On other transcripts: non-coding transcript variant (17).
Genome position (GRCh38, 1-based): chr2:70,215,484, G>T on the plus strand (C>A on the coding strand, the complement: TIA1 is on the minus strand). VCF-style: chr2-70215484-G-T. GRCh37 (hg19) VCF-style: chr2-70442616-G-T.
Other names: c.775C>A, p.His259Asn (NM_001351508.2); c.748C>A, p.His250Asn (NM_001351509.2); c.742C>A, p.His248Asn (NM_001351510.2, NM_022037.4); c.664C>A, p.His222Asn (NM_001351511.1); c.637C>A, p.His213Asn (NM_001351512.1); c.631C>A, p.His211Asn (NM_001351513.1); c.547C>A, p.His183Asn (NM_001351514.2); c.472C>A, p.His158Asn (NM_001351515.2); and 1 more; short protein forms H119N, H211N, H213N, H158N, H222N, H248N, H259N, H183N.
Identifiers: ClinVar variation 1028743 (VCV001028743.1), dbSNP rs1678165172, ClinGen allele CA347151739.

ClinVar aggregate classification (germline): Uncertain significance (1 of 4 stars; one submission).

Conditions:
Welander distal myopathy (WDM). Also called: Gower's muscular dystrophy; MUSCULAR DYSTROPHY, DISTAL, LATE-ONSET, AUTOSOMAL DOMINANT; Welander distal myopathy, Swedish type; Distal myopathy, Swedish type. Identifiers: Orphanet 603, MedGen C0221054, MONDO:0011466, OMIM 604454.

Submission:

Baylor Genetics
Classification: Uncertain significance for Welander distal myopathy. Last evaluated: 2020-02-21. Review status: criteria provided, single submitter. Criteria: ACMG Guidelines, 2015. Collection method: clinical testing. Allele origin: unknown. Affected: yes.
Comment: This variant was determined to be of uncertain significance according to ACMG Guidelines, 2015 [PMID:25741868].